The following is an entry in ClinVar:

ClinVar aggregate classification (germline): Pathogenic. Review status: criteria provided, single submitter (1 of 4 stars). 3 submissions from 3 submitters: Pathogenic (1). 2 of the submissions do not count toward it. Last evaluated 2023-01-17.

Conditions:
Aicardi-Goutieres syndrome 5. Identifiers: Orphanet 51, MedGen C2749659, MONDO:0013059, OMIM 612952.

Allele frequency attached by ClinVar (database versions not stated): gnomAD exomes below 0.00001.
gnomAD v4.1: 1 of 1,614,064 alleles (0.000062%); highest among the groups gnomAD compares: Non-Finnish European, 0.000085%; no homozygotes.

Submissions (3):

Labcorp Genetics (formerly Invitae), Labcorp
Classification: Pathogenic for Aicardi-Goutieres syndrome 5. Last evaluated: 2023-01-17. Review status: criteria provided, single submitter. Criteria: Invitae Variant Classification Sherloc (09022015). Collection method: clinical testing. Allele origin: germline.
Comment: This premature translational stop signal has been observed in individual(s) with Aicardi-Goutieres syndrome (PMID: 19525956). For these reasons, this variant has been classified as Pathogenic. Algorithms developed to predict the effect of sequence changes on RNA splicing suggest that this variant may disrupt the consensus splice site. Experimental studies have shown that this premature translational stop signal affects SAMHD1 function (PMID: 19525956, 22461318). Algorithms developed to predict the effect of variants on protein structure and function are not available or were not evaluated for this variant. ClinVar contains an entry for this variant (Variation ID: 4070). This variant is not present in population databases (gnomAD no frequency). This sequence change creates a premature translational stop signal (p.Gln149*) in the SAMHD1 gene. It is expected to result in an absent or disrupted protein product. Loss-of-function variants in SAMHD1 are known to be pathogenic (PMID: 19525956, 22461318).

OMIM
Classification: Pathogenic for AICARDI-GOUTIERES SYNDROME 5. Last evaluated: 2009-07-01. Review status: no assertion criteria provided. Collection method: literature only. Allele origin: germline. Not counted in ClinVar's aggregate classification.

GeneReviews
No classification provided. Condition: Aicardi-Goutieres syndrome 5. Review status: no classification provided. Collection method: literature only. Allele origin: germline. Affected: yes. Not counted in ClinVar's aggregate classification.

Literature cited by the submitters: PubMed 19525956 (cited by Labcorp Genetics (formerly Invitae), Labcorp and OMIM); PubMed 22461318 (cited by Labcorp Genetics (formerly Invitae), Labcorp); NCBI Bookshelf NBK1475 (cited by GeneReviews).

NM_015474.4(SAMHD1):c.445C>T (p.Gln149Ter)

Gene: SAMHD1 (SAM and HD domain containing deoxynucleoside triphosphate triphosphohydrolase 1; minus strand). Cytogenetic location: 20q11.23.
Variant type: single nucleotide variant.
Coding change: c.445C>T on transcript NM_015474.4 (MANE Select); coding-DNA position 445, C replaced by T.
Protein change: p.Gln149Ter; replaces glutamine 149 with a stop codon.
Molecular consequence: nonsense.
Genome position (GRCh38, 1-based): chr20:36,935,093, G>A on the plus strand (C>T on the coding strand, the complement: SAMHD1 is on the minus strand). VCF-style: chr20-36935093-G-A. GRCh37 (hg19) VCF-style: chr20-35563496-G-A.
Other names: c.445C>T, p.Gln149Ter (NM_001363729.2, NM_001363733.2); short protein forms Q149*.
Identifiers: ClinVar variation 4070 (VCV000004070.7), dbSNP rs121434518, ClinGen allele CA340145.